The following is an entry in ClinVar:

ClinVar aggregate classification (germline): Conflicting classifications of pathogenicity. Review status: criteria provided, conflicting classifications (1 of 4 stars). 4 submissions from 4 submitters: Pathogenic (2); Likely pathogenic (1); Uncertain significance (1). Last evaluated 2025-12-01.

Conditions:
Retinitis pigmentosa 39 (RP39). Identifiers: Orphanet 791, MedGen C3151138, MONDO:0013436, OMIM 613809.
Usher syndrome type 2A. Also called: USHER SYNDROME, TYPE IIA; RETINAL DISEASE IN USHER SYNDROME TYPE IIA, MODIFIER OF. Identifiers: Orphanet 231178, Orphanet 886, MedGen C1848634, MONDO:0010169, OMIM 276901.
USH2A-related disorder. Also called: USH2A-related condition; USH2A-related disorders. Identifiers: MedGen CN239332.

Submissions (4):

Myriad Genetics, Inc.
Classification: Uncertain significance for USH2A-related disorder. Last evaluated: 2025-12-01. Review status: criteria provided, single submitter. Criteria: Myriad Autosomal Dominant, Autosomal Recessive and X-Linked Classification Criteria (2023). Collection method: clinical testing. Allele origin: unknown.
Comment: NM_206933.2(USH2A):c.5447T>G(V1816G) is a missense variant classified as a variant of uncertain significance in the context of USH2A-related disorders. V1816G has been observed in a case with relevant disease (PMID: 27460420). Relevant functional assessments of this variant are not available in the literature. V1816G has not been observed in referenced population frequency databases. In summary, there is insufficient evidence to classify NM_206933.2(USH2A):c.5447T>G(V1816G) as pathogenic or benign. Please note: this variant was assessed in the context of healthy population screening.

Labcorp Genetics (formerly Invitae), Labcorp
Classification: Pathogenic. Last evaluated: 2024-02-05. Review status: criteria provided, single submitter. Criteria: Invitae Variant Classification Sherloc (09022015). Collection method: clinical testing. Allele origin: germline.
Comment: This sequence change replaces valine, which is neutral and non-polar, with glycine, which is neutral and non-polar, at codon 1816 of the USH2A protein (p.Val1816Gly). This variant is not present in population databases (gnomAD no frequency). This missense change has been observed in individual(s) with clinical features of Usher syndrome (PMID: 27460420; Invitae). ClinVar contains an entry for this variant (Variation ID: 865788). Advanced modeling of protein sequence and biophysical properties (such as structural, functional, and spatial information, amino acid conservation, physicochemical variation, residue mobility, and thermodynamic stability) performed at Invitae indicates that this missense variant is not expected to disrupt USH2A protein function with a negative predictive value of 95%. For these reasons, this variant has been classified as Pathogenic.

Fulgent Genetics
Classification: Likely pathogenic for Usher syndrome type 2A; Retinitis pigmentosa 39. Last evaluated: 2024-02-02. Review status: criteria provided, single submitter. Criteria: ACMG Guidelines, 2015. Collection method: clinical testing. Allele origin: germline.

Blueprint Genetics
Classification: Pathogenic for USH2A-related disorders. Last evaluated: 2021-06-23. Review status: criteria provided, single submitter. Criteria: ACMG Guidelines, 2015. Collection method: clinical testing. Allele origin: germline. Affected: yes. Observed: 2 variant alleles.

Literature cited by the submitters: PubMed 27460420 (cited by Myriad Genetics, Inc. and Labcorp Genetics (formerly Invitae), Labcorp).

NM_206933.4(USH2A):c.5447T>G (p.Val1816Gly)

Genes: USH2A (usherin; minus strand), USH2A-AS2 (USH2A antisense RNA 2; plus strand). Cytogenetic location: 1q41.
Variant type: single nucleotide variant.
Coding change: c.5447T>G on transcript NM_206933.4 (MANE Select); coding-DNA position 5447, T replaced by G.
Protein change: p.Val1816Gly; replaces valine 1816 with glycine.
Molecular consequence: missense variant.
Genome position (GRCh38, 1-based): chr1:216,078,214, A>C on the plus strand (T>G on the coding strand, the complement: USH2A is on the minus strand). VCF-style: chr1-216078214-A-C. GRCh37 (hg19) VCF-style: chr1-216251556-A-C.
Other names: short protein forms V1816G.
Identifiers: ClinVar variation 865788 (VCV000865788.9), dbSNP rs777011507, ClinGen allele CA344856138.